The following is an entry in ClinVar:

NM_000632.4(ITGAM):c.823G>C (p.Ala275Pro)

Genes: ITGAM (integrin subunit alpha M; plus strand), LOC126862332 (BRD4-independent group 4 enhancer GRCh37_chr16:31284654-31285853; plus strand). Cytogenetic location: 16p11.2.
Variant type: single nucleotide variant.
Coding change: c.823G>C on transcript NM_000632.4 (MANE Select); coding-DNA position 823, G replaced by C.
Protein change: p.Ala275Pro; replaces alanine 275 with proline.
Molecular consequence: missense variant.
Genome position (GRCh38, 1-based): chr16:31,273,483, G>C. VCF-style: chr16-31273483-G-C. GRCh37 (hg19) VCF-style: chr16-31284804-G-C.
Other names: c.823G>C, p.Ala275Pro (NM_001145808.2); short protein forms A275P.
Identifiers: ClinVar variation 3052286 (VCV003052286.3), dbSNP rs758114270, ClinGen allele CA8025342.

ClinVar aggregate classification (germline): Uncertain significance. Review status: criteria provided, single submitter (1 of 4 stars). 2 submissions from 2 submitters: Uncertain significance (1). 1 of the submissions does not count toward it. Last evaluated 2025-07-20.

Conditions:
ITGAM-related disorder. Also called: ITGAM-related condition.

Allele frequency attached by ClinVar (database versions not stated): ExAC 0.00002.
gnomAD v4.1: 3 of 1,613,766 alleles (0.00019%); highest among the groups gnomAD compares: African/African-American, 0.0013%; no homozygotes.

Submissions (2):

Labcorp Genetics (formerly Invitae), Labcorp
Classification: Uncertain significance. Last evaluated: 2025-07-20. Review status: criteria provided, single submitter. Criteria: Invitae Variant Classification Sherloc (09022015). Collection method: clinical testing. Allele origin: germline.
Comment: This sequence change replaces alanine, which is neutral and non-polar, with proline, which is neutral and non-polar, at codon 275 of the ITGAM protein (p.Ala275Pro). This variant is present in population databases (rs758114270, gnomAD 0.002%). This variant has not been reported in the literature in individuals affected with ITGAM-related conditions. ClinVar contains an entry for this variant (Variation ID: 3052286). An algorithm developed to predict the effect of missense changes on protein structure and function (PolyPhen-2) suggests that this variant is likely to be disruptive. In summary, the available evidence is currently insufficient to determine the role of this variant in disease. Therefore, it has been classified as a Variant of Uncertain Significance.

PreventionGenetics, part of Exact Sciences
Classification: Uncertain significance for ITGAM-related condition. Last evaluated: 2023-11-21. Review status: no assertion criteria provided. Collection method: clinical testing. Allele origin: germline. Not counted in ClinVar's aggregate classification.
Comment: The ITGAM c.823G>C variant is predicted to result in the amino acid substitution p.Ala275Pro. To our knowledge, this variant has not been reported in the literature. This variant is reported in 0.0018% of alleles in individuals of European (Non-Finnish) descent in gnomAD. At this time, the clinical significance of this variant is uncertain due to the absence of conclusive functional and genetic evidence.